The following is an entry in ClinVar:

NM_198578.4(LRRK2):c.2248G>A (p.Glu750Lys)

Gene: LRRK2 (leucine rich repeat kinase 2; plus strand). Cytogenetic location: 12q12.
Variant type: single nucleotide variant.
Coding change: c.2248G>A on transcript NM_198578.4 (MANE Select); coding-DNA position 2248, G replaced by A.
Protein change: p.Glu750Lys; replaces glutamic acid 750 with lysine.
Molecular consequence: missense variant.
Genome position (GRCh38, 1-based): chr12:40,283,881, G>A. VCF-style: chr12-40283881-G-A. GRCh37 (hg19) VCF-style: chr12-40677683-G-A.
Other names: c.2248G>A (NM_198578.3); short protein forms E750K.
Identifiers: ClinVar variation 872629 (VCV000872629.43), dbSNP rs1413463006, ClinGen allele CA384406308.

ClinVar aggregate classification (germline): Uncertain significance. Review status: criteria provided, multiple submitters, no conflicts (2 of 4 stars). 2 submissions from 2 submitters: Uncertain significance (2). Last evaluated 2022-12-12.

Conditions:
Inborn genetic diseases. Identifiers: MedGen C0950123, MeSH D030342.

Allele frequency attached by ClinVar (database versions not stated): gnomAD exomes below 0.00001; gnomAD 0.00001; TOPMed 0.00001.
gnomAD v4.1: 3 of 1,612,102 alleles (0.00019%); highest among the groups gnomAD compares: African/African-American, 0.0013%; no homozygotes.

Submissions (2):

Ambry Genetics
Classification: Uncertain significance for Inborn genetic diseases. Last evaluated: 2022-12-12. Review status: criteria provided, single submitter. Criteria: Ambry Variant Classification Scheme 2023. Collection method: clinical testing. Allele origin: germline.
Comment: The p.E750K variant (also known as c.2248G>A), located in coding exon 19 of the LRRK2 gene, results from a G to A substitution at nucleotide position 2248. The glutamic acid at codon 750 is replaced by lysine, an amino acid with similar properties. This amino acid position is conserved. In addition, the in silico prediction for this alteration is inconclusive. Since supporting evidence is limited at this time, the clinical significance of this alteration remains unclear.

CeGaT Center for Human Genetics Tuebingen
Classification: Uncertain significance. Last evaluated: 2019-08-01. Review status: criteria provided, single submitter. Criteria: CeGaT Center For Human Genetics Tuebingen Variant Classification Criteria Version 2. Collection method: clinical testing. Allele origin: germline. Affected: yes. Observed: 2 variant alleles.